The following is an entry in ClinVar:

ClinVar aggregate classification (germline): Uncertain significance. Review status: criteria provided, multiple submitters, no conflicts (2 of 4 stars). 2 submissions from 2 submitters: Uncertain significance (2). Last evaluated 2022-07-15.

Conditions:
Age related macular degeneration 9. Identifiers: MedGen C1969651, MONDO:0012659, OMIM 611378.
Atypical hemolytic-uremic syndrome with C3 anomaly. Also called: AHUS, SUSCEPTIBILITY TO, 5. Identifiers: Orphanet 2134, MedGen C2752037, MONDO:0013043, OMIM 612925.
Complement component 3 deficiency. Identifiers: Orphanet 280133, MedGen C3151071, MONDO:0013417, OMIM 613779.

Allele frequency attached by ClinVar (database versions not stated): gnomAD exomes below 0.00001.

Submissions (2):

Labcorp Genetics (formerly Invitae), Labcorp
Classification: Uncertain significance. Last evaluated: 2022-07-15. Review status: criteria provided, single submitter. Criteria: Invitae Variant Classification Sherloc (09022015). Collection method: clinical testing. Allele origin: germline.
Comment: This sequence change replaces valine, which is neutral and non-polar, with methionine, which is neutral and non-polar, at codon 228 of the C3 protein (p.Val228Met). This variant also falls at the last nucleotide of exon 6, which is part of the consensus splice site for this exon. This variant is not present in population databases (gnomAD no frequency). This variant has not been reported in the literature in individuals affected with C3-related conditions. Algorithms developed to predict the effect of missense changes on protein structure and function are either unavailable or do not agree on the potential impact of this missense change (SIFT: "Deleterious"; PolyPhen-2: "Probably Damaging"; Align-GVGD: "Class C15"). Variants that disrupt the consensus splice site are a relatively common cause of aberrant splicing (PMID: 17576681, 9536098). Algorithms developed to predict the effect of sequence changes on RNA splicing suggest that this variant may disrupt the consensus splice site. In summary, the available evidence is currently insufficient to determine the role of this variant in disease. Therefore, it has been classified as a Variant of Uncertain Significance.

Juno Genomics, Hangzhou Juno Genomics, Inc
Classification: Uncertain significance for Atypical hemolytic-uremic syndrome with C3 anomaly; Age related macular degeneration 9; Complement component 3 deficiency. Review status: criteria provided, single submitter. Criteria: ACMG Guidelines, 2015. Collection method: clinical testing. Allele origin: germline.
Comment: Missense variant in a gene that has a low rate of benign missense variation.;Multiple lines of computational evidence support a deleterious effect on the gene or gene product.;Absent from controls (or at extremely low frequency if recessive) in Genome Aggregation Database.

Literature cited by the submitters: PubMed 17576681 (cited by Labcorp Genetics (formerly Invitae), Labcorp); PubMed 9536098 (cited by Labcorp Genetics (formerly Invitae), Labcorp).

NM_000064.4(C3):c.682G>A (p.Val228Met)

Gene: C3 (complement C3; minus strand). Cytogenetic location: 19p13.3.
Variant type: single nucleotide variant.
Coding change: c.682G>A on transcript NM_000064.4 (MANE Select); coding-DNA position 682, G replaced by A.
Protein change: p.Val228Met; replaces valine 228 with methionine.
Molecular consequence: missense variant.
Genome position (GRCh38, 1-based): chr19:6,714,166, C>T on the plus strand (G>A on the coding strand, the complement: C3 is on the minus strand). VCF-style: chr19-6714166-C-T. GRCh37 (hg19) VCF-style: chr19-6714177-C-T.
Other names: short protein forms V228M.
Identifiers: ClinVar variation 1968266 (VCV001968266.7), dbSNP rs2512266922, ClinGen allele CA403643093.